The following is an entry in ClinVar:

ClinVar aggregate classification (germline): Uncertain significance (1 of 4 stars; one submission).

Conditions:
Pontocerebellar hypoplasia type 1B. Also called: EXOSC3 Pontocerebellar Hypoplasia. Identifiers: Orphanet 2254, MedGen C3553449, MONDO:0013853, OMIM 614678.

Submission:

Labcorp Genetics (formerly Invitae), Labcorp
Classification: Uncertain significance for Pontocerebellar hypoplasia type 1B. Last evaluated: 2024-12-03. Review status: criteria provided, single submitter. Criteria: Invitae Variant Classification Sherloc (09022015). Collection method: clinical testing. Allele origin: germline.
Comment: This sequence change replaces proline, which is neutral and non-polar, with arginine, which is basic and polar, at codon 69 of the EXOSC3 protein (p.Pro69Arg). This variant is present in population databases (rs753698044, gnomAD 0.001%). This variant has not been reported in the literature in individuals affected with EXOSC3-related conditions. Invitae Evidence Modeling of protein sequence and biophysical properties (such as structural, functional, and spatial information, amino acid conservation, physicochemical variation, residue mobility, and thermodynamic stability) has been performed for this missense variant. However, the output from this modeling did not meet the statistical confidence thresholds required to predict the impact of this variant on EXOSC3 protein function. In summary, the available evidence is currently insufficient to determine the role of this variant in disease. Therefore, it has been classified as a Variant of Uncertain Significance.

NM_016042.4(EXOSC3):c.206C>G (p.Pro69Arg)

Gene: EXOSC3 (exosome component 3; minus strand). Cytogenetic location: 9p13.2.
Variant type: single nucleotide variant.
Coding change: c.206C>G on transcript NM_016042.4 (MANE Select); coding-DNA position 206, C replaced by G.
Protein change: p.Pro69Arg; replaces proline 69 with arginine.
Molecular consequence: missense variant.
Genome position (GRCh38, 1-based): chr9:37,784,839, G>C on the plus strand (C>G on the coding strand, the complement: EXOSC3 is on the minus strand). VCF-style: chr9-37784839-G-C. GRCh37 (hg19) VCF-style: chr9-37784836-G-C.
Other names: c.206C>G, p.Pro69Arg (NM_001002269.2); short protein forms P69R.
Identifiers: ClinVar variation 3607702 (VCV003607702.2).
Genomic context (GRCh38, chr9:37,784,839, plus strand): 5'-TTGTGACGGAGGCGGCCGCACTTGGTGACCAGCAGGCGGTCCCCACAGCGCCGAAGGCCC[G>C]GACCGCATACAACGCGCACCCGCGAGCACGCTCTAGCATTCAGGCTCAACGGTCGCTCCA-3'
Protein context (NP_057126.2, residues 59-79): ACSRVRVVCG[Pro69Arg]GLRRCGDRLL